The following is an entry in ClinVar:

NM_201384.3(PLEC):c.1629G>T (p.Glu543Asp)

Gene: PLEC (plectin; minus strand). Cytogenetic location: 8q24.3.
Variant type: single nucleotide variant.
Coding change: c.1629G>T on transcript NM_201384.3 (MANE Select); coding-DNA position 1629, G replaced by T.
Protein change: p.Glu543Asp; replaces glutamic acid 543 with aspartic acid.
Molecular consequence: missense variant.
Genome position (GRCh38, 1-based): chr8:143,932,901, C>A on the plus strand (G>T on the coding strand, the complement: PLEC is on the minus strand). VCF-style: chr8-143932901-C-A. GRCh37 (hg19) VCF-style: chr8-145007069-C-A.
Other names: c.1710G>T, p.Glu570Asp (NM_000445.5); c.1587G>T, p.Glu529Asp (NM_201378.4); c.1563G>T, p.Glu521Asp (NM_201379.3); c.2040G>T, p.Glu680Asp (NM_201380.4); c.1533G>T, p.Glu511Asp (NM_201381.3); c.1629G>T, p.Glu543Asp (NM_201382.4); c.1641G>T, p.Glu547Asp (NM_201383.3); short protein forms E511D, E521D, E529D, E543D, E547D, E570D, E680D.
Identifiers: ClinVar variation 387324 (VCV000387324.13), dbSNP rs201164522, ClinGen allele CA4927911.
Genomic context (GRCh38, chr8:143,932,901, plus strand): 5'-CTGGTGCAGGCCTCGGTGGCTGCCCAGCTGCGCCTCCACGCTGGGCAGGTCCACACCCCA[C>A]TCAGCGCCATCCACACGGTGCTGGTTCTCCTCCACCCAGGCCAGCAGGTCCTGCAGGTAG-3'
Protein context (NP_958786.1, residues 533-553): EENQHRVDGA[Glu543Asp]WGVDLPSVEA

ClinVar aggregate classification (germline): Benign/Likely benign. Review status: criteria provided, multiple submitters, no conflicts (2 of 4 stars). 4 submissions from 4 submitters: Benign (3); Likely benign (1). Last evaluated 2026-02-02.

Conditions:
Autosomal recessive limb-girdle muscular dystrophy type 2Q (LGMDR17). Also called: MUSCULAR DYSTROPHY, LIMB-GIRDLE, AUTOSOMAL RECESSIVE 17. Identifiers: Orphanet 254361, MedGen C3150989, MONDO:0013390, OMIM 613723.
Epidermolysis bullosa simplex 5C, with pyloric atresia (EBS5C). Also called: PLEC1-Related Epidermolysis Bullosa with Pyloric Atresia; PLEC-Related Epidermolysis Bullosa with Pyloric Atresia; Epidermolysis bullosa simplex with pyloric atresia. Identifiers: Orphanet 158684, MedGen C2677349, MONDO:0012807, OMIM 612138.
Epidermolysis bullosa simplex with nail dystrophy (EBS5D). Identifiers: MedGen C4225309, MONDO:0014661, OMIM 616487.
Epidermolysis bullosa simplex, Ogna type (EBS5A). Also called: Pidermolysis bullosa simplex 5A, Ogna type; EPIDERMOLYSIS BULLOSA SIMPLEX 5A, OGNA TYPE. Identifiers: Orphanet 79401, MedGen C0432317, MONDO:0007555, OMIM 131950.
Epidermolysis bullosa simplex 5B, with muscular dystrophy (EBS5B). Also called: Epidermolysis bullosa simplex with muscular dystrophy; EPIDERMOLYSIS BULLOSA SIMPLEX AND LIMB-GIRDLE MUSCULAR DYSTROPHY. Identifiers: Orphanet 257, MedGen C2931072, MONDO:0009181, OMIM 226670.

Allele frequency attached by ClinVar (database versions not stated): gnomAD exomes 0.00110; ExAC 0.00134; 1000 Genomes Project 30x 0.00453; 1000 Genomes Project 0.00459; gnomAD 0.00474 and 0.00508; ESP Exome Variant Server 0.00486; TOPMed 0.00554.
gnomAD v4.1: 1,500 of 1,612,606 alleles (0.093%); highest among the groups gnomAD compares: African/African-American, 1.8%; 12 homozygotes.

Submissions (4):

Labcorp Genetics (formerly Invitae), Labcorp
Classification: Benign for Autosomal recessive limb-girdle muscular dystrophy type 2Q; Epidermolysis bullosa simplex, Ogna type; Epidermolysis bullosa simplex with nail dystrophy; Epidermolysis bullosa simplex 5C, with pyloric atresia; Epidermolysis bullosa simplex 5B, with muscular dystrophy. Last evaluated: 2026-02-02. Review status: criteria provided, single submitter. Criteria: Invitae Variant Classification Sherloc (09022015). Collection method: clinical testing. Allele origin: germline.

Blueprint Genetics
Classification: Likely benign. Last evaluated: 2024-06-11. Review status: criteria provided, single submitter. Criteria: ACMG Guidelines, 2015. Collection method: clinical testing. Allele origin: germline.

Athena Diagnostics
Classification: Benign. Last evaluated: 2021-04-27. Review status: criteria provided, single submitter. Criteria: Athena Diagnostics criteria. Collection method: clinical testing. Allele origin: unknown.

GeneDx
Classification: Benign. Last evaluated: 2017-10-27. Review status: criteria provided, single submitter. Criteria: GeneDx Variant Classification (06012015). Collection method: clinical testing. Allele origin: germline. Affected: yes.
Comment: This variant is considered likely benign or benign based on one or more of the following criteria: it is a conservative change, it occurs at a poorly conserved position in the protein, it is predicted to be benign by multiple in silico algorithms, and/or has population frequency not consistent with disease.